The following is an entry in ClinVar:

ClinVar aggregate classification (germline): Pathogenic. Review status: criteria provided, multiple submitters, no conflicts (2 of 4 stars). 5 submissions from 5 submitters: Pathogenic (4). 1 of the submissions does not count toward it. Last evaluated 2025-08-21.

Conditions:
OTOF-related disorder. Also called: OTOF-related condition.
Autosomal recessive nonsyndromic hearing loss 9. Also called: AUDITORY NEUROPATHY, AUTOSOMAL RECESSIVE, 1, TEMPERATURE-SENSITIVE; Deafness, autosomal recessive 9; OTOF-Related Hearing Loss; NEUROSENSORY NONSYNDROMIC RECESSIVE DEAFNESS 9. Identifiers: Orphanet 90636, MedGen C1832828, MONDO:0010986, OMIM 601071.
Bilateral sensorineural hearing impairment. Also called: Bilateral sensorineural hearing loss. Identifiers: MedGen C0452138, HP:0008619.

Submissions (5):

PreventionGenetics, part of Exact Sciences
Classification: Pathogenic for OTOF-related condition. Last evaluated: 2025-08-21. Review status: criteria provided, single submitter. Criteria: ACMG Guidelines, 2015. Collection method: clinical testing. Allele origin: germline.
Comment: The OTOF c.1552_1567del16 variant is predicted to result in a frameshift and premature protein termination (p.Arg518Thrfs*15). This variant has been reported in the homozygous or heterozygous state along with a second pathogenic variant in multiple individuals with hearing loss (Lezirovitz and Mingroni‑Netto et al. 2021. PubMed ID: 34652575). This variant has not been reported in a large population database (gnomAD), indicating this variant is rare. Frameshift variants in OTOF are expected to be pathogenic. This variant is interpreted as pathogenic.

GeneDx
Classification: Pathogenic. Last evaluated: 2025-01-18. Review status: criteria provided, single submitter. Criteria: GeneDx Variant Classification Process June 2021. Collection method: clinical testing. Allele origin: germline. Affected: yes.
Comment: Reported in the heterozygous state without a second variant in a patient with hearing loss in published literature (PMID: 19461658); Frameshift variant predicted to result in protein truncation or nonsense mediated decay in a gene for which loss of function is a known mechanism of disease; Not observed at significant frequency in large population cohorts (gnomAD); This variant is associated with the following publications: (PMID: 31589614, 36147510, 19461658, 34652575)

Labcorp Genetics (formerly Invitae), Labcorp
Classification: Pathogenic. Last evaluated: 2024-02-25. Review status: criteria provided, single submitter. Criteria: Invitae Variant Classification Sherloc (09022015). Collection method: clinical testing. Allele origin: germline.
Comment: This sequence change creates a premature translational stop signal (p.Arg518Thrfs*15) in the OTOF gene. It is expected to result in an absent or disrupted protein product. Loss-of-function variants in OTOF are known to be pathogenic (PMID: 18381613, 19250381, 22575033). This variant is not present in population databases (gnomAD no frequency). This premature translational stop signal has been observed in individual(s) with auditory neuropathy (PMID: 19461658). ClinVar contains an entry for this variant (Variation ID: 65777). For these reasons, this variant has been classified as Pathogenic.

Laboratory of Human Genetics, Institute of Biosciences - University of Sao Paulo
Classification: Pathogenic for Bilateral sensorineural hearing impairment. Review status: criteria provided, single submitter. Criteria: ClinGen HL ACMG Specifications v1. Collection method: research. Allele origin: germline. Affected: yes. Observed: 2 compound heterozygotes, 2 homozygotes. Clinical features observed: Prelingual sensorineural hearing impairment (HP:0000399). Segregation with disease observed.

GeneReviews
Classification: Pathogenic for OTOF-Related Deafness. Last evaluated: 2011-04-26. Review status: no assertion criteria provided. Collection method: curation. Allele origin: unknown. Not counted in ClinVar's aggregate classification.
ClinVar note: Converted during submission from pathologic to Pathogenic.

Literature cited by the submitters: PubMed 18381613 (cited by Labcorp Genetics (formerly Invitae), Labcorp); PubMed 19250381 (cited by Labcorp Genetics (formerly Invitae), Labcorp); PubMed 22575033 (cited by Labcorp Genetics (formerly Invitae), Labcorp); PubMed 19461658 (cited by Labcorp Genetics (formerly Invitae), Labcorp and Laboratory of Human Genetics, Institute of Biosciences - University of Sao Paulo); PubMed 34652575 (cited by Laboratory of Human Genetics, Institute of Biosciences - University of Sao Paulo).

NM_194248.3(OTOF):c.1552_1567del (p.Arg518fs)

Gene: OTOF (otoferlin; minus strand). Cytogenetic location: 2p23.3.
Variant type: Deletion.
Coding change: c.1552_1567del on transcript NM_194248.3 (MANE Select); coding-DNA positions 1552 to 1567, 16 bases deleted (CGCAAGATTTCTAATG).
Protein change: p.Arg518fs; shifts the reading frame from arginine 518.
Molecular consequence: frameshift variant.
Genome position (GRCh38, 1-based): chr2:26,482,418-26,482,433, CATTAGAAATCTTGCG deleted on the plus strand (CGCAAGATTTCTAATG on the coding strand, the reverse complement: OTOF is on the minus strand); deleting any 16 consecutive bases within chr2:26,482,418-26,482,435 gives the same sequence; the c. name uses the placement nearest the transcript's 3' end. VCF-style (leftmost placement, unchanged base first): chr2-26482417-TCATTAGAAATCTTGCG-T. GRCh37 (hg19) VCF-style: chr2-26705285-TCATTAGAAATCTTGCG-T.
Other names: c.1552_1567del, p.Arg518fs (NM_001287489.2); c.1552_1567del16 (NM_194248.2); short protein forms R518fs.
Identifiers: ClinVar variation 65777 (VCV000065777.10), dbSNP rs1443739332, ClinGen allele CA767289558.